The following is an entry in ClinVar:

NM_176824.3(BBS7):c.947G>T (p.Gly316Val)

Gene: BBS7 (Bardet-Biedl syndrome 7; minus strand). Cytogenetic location: 4q27.
Variant type: single nucleotide variant.
Coding change: c.947G>T on transcript NM_176824.3 (MANE Select); coding-DNA position 947, G replaced by T.
Protein change: p.Gly316Val; replaces glycine 316 with valine.
Molecular consequence: missense variant.
Genome position (GRCh38, 1-based): chr4:121,847,494, C>A on the plus strand (G>T on the coding strand, the complement: BBS7 is on the minus strand). VCF-style: chr4-121847494-C-A. GRCh37 (hg19) VCF-style: chr4-122768649-C-A.
Other names: c.947G>T, p.Gly316Val (NM_018190.4); short protein forms G316V.
Identifiers: ClinVar variation 2008276 (VCV002008276.4), dbSNP rs2476503613, ClinGen allele CA358063292.

ClinVar aggregate classification (germline): Uncertain significance (1 of 4 stars; one submission).

Conditions:
Bardet-Biedl syndrome (BBS). Identifiers: Orphanet 110, MedGen C0752166, MONDO:0015229.

Submission:

Labcorp Genetics (formerly Invitae), Labcorp
Classification: Uncertain significance for Bardet-Biedl syndrome. Last evaluated: 2022-06-19. Review status: criteria provided, single submitter. Criteria: Invitae Variant Classification Sherloc (09022015). Collection method: clinical testing. Allele origin: germline.
Comment: In summary, the available evidence is currently insufficient to determine the role of this variant in disease. Therefore, it has been classified as a Variant of Uncertain Significance. Algorithms developed to predict the effect of sequence changes on RNA splicing suggest that this variant may disrupt the consensus splice site. Algorithms developed to predict the effect of missense changes on protein structure and function are either unavailable or do not agree on the potential impact of this missense change (SIFT: "Deleterious"; PolyPhen-2: "Probably Damaging"; Align-GVGD: "Class C15"). This variant has not been reported in the literature in individuals affected with BBS7-related conditions. This sequence change replaces glycine, which is neutral and non-polar, with valine, which is neutral and non-polar, at codon 316 of the BBS7 protein (p.Gly316Val). This variant is not present in population databases (gnomAD no frequency).